The following is an entry in ClinVar:

NM_004434.3(EML1):c.1713C>T (p.Asp571=)

Gene: EML1 (EMAP like 1; plus strand). Cytogenetic location: 14q32.2.
Variant type: single nucleotide variant.
Coding change: c.1713C>T on transcript NM_004434.3 (MANE Select); coding-DNA position 1713, C replaced by T.
Protein change: p.Asp571=; no amino-acid change (aspartic acid 571 retained).
Molecular consequence: synonymous variant. On other transcripts: intron variant (1).
Genome position (GRCh38, 1-based): chr14:99,914,658, C>T. VCF-style: chr14-99914658-C-T. GRCh37 (hg19) VCF-style: chr14-100380995-C-T.
Other names: c.1770C>T, p.Asp590= (NM_001008707.2); c.1674C>T, p.Asp558= (NM_001375411.1); c.1620+354C>T (NM_001375412.1).
Identifiers: ClinVar variation 734840 (VCV000734840.12), dbSNP rs145292067, ClinGen allele CA7342710.
Genomic context (GRCh38, chr14:99,914,658, plus strand): 5'-CCATGCCTCAAAATCTCAGTTCTTGACCTGTGGGCATGACAAGCATGCCACTCTCTGGGA[C>T]GCTGTGGGTCACCGTCCCGTCTGGGACAAAATAATAGAGGTAAACATGCACATTACATTT-3'
Protein context (NP_004425.2, residues 561-581): CGHDKHATLW[Asp571=]AVGHRPVWDK

ClinVar aggregate classification (germline): Benign/Likely benign. Review status: criteria provided, multiple submitters, no conflicts (2 of 4 stars). 4 submissions from 4 submitters: Benign (2); Likely benign (1). 1 of the submissions does not count toward it. Last evaluated 2025-12-22.

Conditions:
EML1-related disorder. Also called: EML1-related condition.

Allele frequency attached by ClinVar (database versions not stated): gnomAD exomes 0.00018 and 0.00051; ExAC 0.00063; 1000 Genomes Project 30x 0.00187; gnomAD 0.00195 and 0.00208; ESP Exome Variant Server 0.00208; 1000 Genomes Project 0.00220; TOPMed 0.00227.

Submissions (4):

Labcorp Genetics (formerly Invitae), Labcorp
Classification: Benign. Last evaluated: 2025-12-22. Review status: criteria provided, single submitter. Criteria: Invitae Variant Classification Sherloc (09022015). Collection method: clinical testing. Allele origin: germline.

Blueprint Genetics
Classification: Likely benign. Last evaluated: 2024-10-02. Review status: criteria provided, single submitter. Criteria: ACMG Guidelines, 2015. Collection method: clinical testing. Allele origin: germline.

Breakthrough Genomics
Classification: Benign. Review status: criteria provided, single submitter. Criteria: ACMG Guidelines, 2015. Collection method: not provided. Allele origin: germline. Inheritance: Autosomal recessive inheritance. Affected: yes.

PreventionGenetics, part of Exact Sciences
Classification: Likely benign for EML1-related condition. Last evaluated: 2019-02-22. Review status: no assertion criteria provided. Collection method: clinical testing. Allele origin: germline. Not counted in ClinVar's aggregate classification.
Comment: This variant is classified as likely benign based on ACMG/AMP sequence variant interpretation guidelines (Richards et al. 2015 PMID: 25741868, with internal and published modifications).